The following is an entry in ClinVar:

ClinVar aggregate classification (germline): Uncertain significance. Review status: criteria provided, multiple submitters, no conflicts (2 of 4 stars). 6 submissions from 6 submitters: Uncertain significance (6). Last evaluated 2025-12-17.

Conditions:
Hereditary nonpolyposis colorectal neoplasms. Identifiers: MedGen C0009405, MeSH D003123.
Hereditary cancer-predisposing syndrome. Also called: Hereditary Cancer Syndrome; Tumor predisposition; Hereditary neoplastic syndrome; Neoplastic Syndromes, Hereditary. Identifiers: Orphanet 140162, MedGen C0027672, MeSH D009386, MONDO:0015356.
Lynch syndrome. Identifiers: Orphanet 144, MedGen C4552100, MONDO:0005835. Disease mechanism: loss of function.

Allele frequency attached by ClinVar (database versions not stated): TOPMed 0.00003; gnomAD exomes below 0.00001; gnomAD 0.00001 and 0.00003.
gnomAD v4.1: 10 of 1,611,580 alleles (0.00062%); highest among the groups gnomAD compares: African/African-American, 0.0013%; no homozygotes.

Submissions (6):

Color Diagnostics, LLC DBA Color Health
Classification: Uncertain significance for Hereditary cancer-predisposing syndrome. Last evaluated: 2025-12-17. Review status: criteria provided, single submitter. Criteria: ACMG Guidelines, 2015. Collection method: clinical testing. Allele origin: germline.
Comment: This missense variant replaces methionine with valine at codon 396 of the PMS2 protein. Computational prediction suggests that this variant may not impact protein structure and function. To our knowledge, functional studies have not been reported for this variant. This variant has not been reported in individuals affected with PMS2-related disorders in the literature. This variant has been identified in 10/1611580 chromosomes in the general population by the Genome Aggregation Database (gnomAD). The available evidence is insufficient to determine the role of this variant in disease conclusively. Therefore, this variant is classified as a Variant of Uncertain Significance.

Labcorp Genetics (formerly Invitae), Labcorp
Classification: Uncertain significance for Hereditary nonpolyposis colorectal neoplasms. Last evaluated: 2025-11-17. Review status: criteria provided, single submitter. Criteria: Invitae Variant Classification Sherloc (09022015). Collection method: clinical testing. Allele origin: germline.
Comment: This sequence change replaces methionine, which is neutral and non-polar, with valine, which is neutral and non-polar, at codon 396 of the PMS2 protein (p.Met396Val). This variant is present in population databases (no rsID available, gnomAD 0.007%). This variant has not been reported in the literature in individuals affected with PMS2-related conditions. ClinVar contains an entry for this variant (Variation ID: 216448). Invitae Evidence Modeling incorporating data from in vitro experimental studies (internal data) indicates that this missense variant is not expected to disrupt PMS2 function with a negative predictive value of 95%. In summary, the available evidence is currently insufficient to determine the role of this variant in disease. Therefore, it has been classified as a Variant of Uncertain Significance.

Ambry Genetics
Classification: Uncertain significance for Hereditary cancer-predisposing syndrome. Last evaluated: 2025-07-28. Review status: criteria provided, single submitter. Criteria: Ambry Variant Classification Scheme 2023. Collection method: clinical testing. Allele origin: germline.
Comment: The p.M396V variant (also known as c.1186A>G), located in coding exon 11 of the PMS2 gene, results from an A to G substitution at nucleotide position 1186. The methionine at codon 396 is replaced by valine, an amino acid with highly similar properties. This amino acid position is poorly conserved in available vertebrate species and valine is the reference amino acid in other vertebrate species. In addition, this alteration is predicted to be tolerated by in silico analysis. Since supporting evidence is limited at this time, the clinical significance of this alteration remains unclear.

All of Us Research Program, National Institutes of Health
Classification: Uncertain significance for Lynch syndrome. Last evaluated: 2024-06-11. Review status: criteria provided, single submitter. Criteria: ACMG Guidelines, 2015. Collection method: clinical testing. Allele origin: germline. Inheritance: Autosomal dominant inheritance. Observed: 3 variant alleles, 3 heterozygotes.
Comment: This missense variant replaces methionine with valine at codon 396 of the PMS2 protein. Computational prediction is inconclusive regarding the impact of this variant on protein structure and function (internally defined REVEL score threshold 0.5 < inconclusive < 0.7, PMID: 27666373). To our knowledge, functional studies have not been reported for this variant. This variant has not been reported in individuals affected with hereditary cancer in the literature. This variant has been identified in 1/31394 chromosomes in the general population by the Genome Aggregation Database (gnomAD). The available evidence is insufficient to determine the role of this variant in disease conclusively. Therefore, this variant is classified as a Variant of Uncertain Significance.

This study involves interpretation of variants in research participants for the purpose of population health screening. Participant phenotype was not available at the time of variant classification. Additional details can be found in publication PMID: 35346344, PMCID: PMC8962531

GeneDx
Classification: Uncertain significance. Last evaluated: 2023-07-10. Review status: criteria provided, single submitter. Criteria: GeneDx Variant Classification Process June 2021. Collection method: clinical testing. Allele origin: germline.
Comment: Not observed at significant frequency in large population cohorts (gnomAD); In silico analysis supports that this missense variant does not alter protein structure/function; Has not been previously published as pathogenic or benign to our knowledge

Quest Diagnostics Nichols Institute San Juan Capistrano
Classification: Uncertain significance. Last evaluated: 2020-11-11. Review status: criteria provided, single submitter. Criteria: Quest Diagnostics criteria. Collection method: clinical testing. Allele origin: unknown.

NM_000535.7(PMS2):c.1186A>G (p.Met396Val)

Gene: PMS2 (PMS1 homolog 2, mismatch repair system component; minus strand). Cytogenetic location: 7p22.1.
Variant type: single nucleotide variant.
Coding change: c.1186A>G on transcript NM_000535.7 (MANE Select); coding-DNA position 1186, A replaced by G.
Protein change: p.Met396Val; replaces methionine 396 with valine.
Molecular consequence: missense variant. On other transcripts: non-coding transcript variant (1).
Genome position (GRCh38, 1-based): chr7:5,987,579, T>C on the plus strand (A>G on the coding strand, the complement: PMS2 is on the minus strand). VCF-style: chr7-5987579-T-C. GRCh37 (hg19) VCF-style: chr7-6027210-T-C.
Other names: c.781A>G, p.Met261Val (NM_001322003.2, NM_001322004.2, NM_001322005.2 and 1 more transcripts); c.1030A>G, p.Met344Val (NM_001322006.2); c.868A>G, p.Met290Val (NM_001322007.2, NM_001322008.2); c.625A>G, p.Met209Val (NM_001322010.2); c.253A>G, p.Met85Val (NM_001322011.2, NM_001322012.2); c.613A>G, p.Met205Val (NM_001322013.2); c.1186A>G, p.Met396Val (NM_001322014.2); c.877A>G, p.Met293Val (NM_001322015.2); short protein forms M396V, M261V, M205V, M209V, M293V, M290V, M344V, M85V.
Identifiers: ClinVar variation 216448 (VCV000216448.23), dbSNP rs863224675, ClinGen allele CA339540.